The following is an entry in ClinVar:

ClinVar aggregate classification (germline): Benign. Review status: criteria provided, multiple submitters, no conflicts (2 of 4 stars). 4 submissions from 4 submitters: Benign (4). Last evaluated 2026-02-04.

Conditions:
Trichohepatoenteric syndrome 2 (THES2). Identifiers: Orphanet 84064, MedGen C3281289, MONDO:0013818, OMIM 614602.

Allele frequency attached by ClinVar (database versions not stated): ESP Exome Variant Server 0.03283; gnomAD 0.03599 and 0.03722; gnomAD exomes 0.03609 and 0.04733; TOPMed 0.03907; ExAC 0.04633; 1000 Genomes Project 30x 0.04966; 1000 Genomes Project 0.05172.
gnomAD v4.1: 59,006 of 1,613,018 alleles (3.7%); highest among the groups gnomAD compares: East Asian, 8.6%; 1,525 homozygotes.

Submissions (4):

Labcorp Genetics (formerly Invitae), Labcorp
Classification: Benign. Last evaluated: 2026-02-04. Review status: criteria provided, single submitter. Criteria: Invitae Variant Classification Sherloc (09022015). Collection method: clinical testing. Allele origin: germline.

Genome-Nilou Lab
Classification: Benign for Trichohepatoenteric syndrome 2. Last evaluated: 2021-07-15. Review status: criteria provided, single submitter. Criteria: ACMG Guidelines, 2015. Collection method: clinical testing. Allele origin: germline. Affected: no.

Mayo Clinic Laboratories, Mayo Clinic
Classification: Benign. Last evaluated: 2019-06-12. Review status: criteria provided, single submitter. Criteria: ACMG Guidelines, 2015. Collection method: clinical testing. Allele origin: germline. Observed: 56 variant alleles.

Illumina Laboratory Services, Illumina
Classification: Benign for Trichohepatoenteric syndrome 2. Last evaluated: 2018-01-13. Review status: criteria provided, single submitter. Criteria: ICSL Variant Classification Criteria 13 December 2019. Collection method: clinical testing. Allele origin: germline.
Comment: This variant was observed in the ICSL laboratory as part of a predisposition screen in an ostensibly healthy population. It had not been previously curated by ICSL or reported in the Human Gene Mutation Database (HGMD: prior to June 1st, 2018), and was therefore a candidate for classification through an automated scoring system. Utilizing variant allele frequency, disease prevalence and penetrance estimates, and inheritance mode, an automated score was calculated to assess if this variant is too frequent to cause the disease. Based on the score and internal cut-off values, a variant classified as benign is not then subjected to further curation. The score for this variant resulted in a classification of benign for this disease.

NM_006929.5(SKIC2):c.1200A>G (p.Thr400=)

Genes: SKIC2 (SKI2 subunit of superkiller complex; plus strand), LOC126859653 (CDK7 strongly-dependent group 2 enhancer GRCh37_chr6:31929542-31930741; plus strand). Cytogenetic location: 6p21.33.
Variant type: single nucleotide variant.
Coding change: c.1200A>G on transcript NM_006929.5 (MANE Select); coding-DNA position 1200, A replaced by G.
Protein change: p.Thr400=; no amino-acid change (threonine 400 retained).
Molecular consequence: synonymous variant.
Genome position (GRCh38, 1-based): chr6:31,962,574, A>G. VCF-style: chr6-31962574-A-G. GRCh37 (hg19) VCF-style: chr6-31930351-A-G.
Other names: p.Thr400=.
Identifiers: ClinVar variation 356326 (VCV000356326.16), dbSNP rs2734331, ClinGen allele CA3729379.
Genomic context (GRCh38, chr6:31,962,574, plus strand): 5'-GGGGCTGCTCACCGGGGATGTACAGCTGCATCCGGAGGCCTCCTGCCTCATCATGACCAC[A>G]GAGATCCTTCGGTGAGAGATGGACACTCAATACAGGGGAGTTTTGGCTGGGAAGATGTGG-3'
Protein context (NP_008860.4, residues 390-410): HPEASCLIMT[Thr400=]EILRSMLYSG